The following is an entry in ClinVar:

ClinVar aggregate classification (germline): Uncertain significance. Review status: criteria provided, multiple submitters, no conflicts (2 of 4 stars). 3 submissions from 3 submitters: Uncertain significance (3). Last evaluated 2025-02-05.

Conditions:
Hypertrophic cardiomyopathy. Also called: HYPERTROPHIC MYOCARDIOPATHY. Identifiers: Orphanet 217569, MedGen C0007194, MeSH D002312, MONDO:0005045, HP:0001639.
Hypertrophic cardiomyopathy 1 (CMH1). Also called: Familial hypertrophic cardiomyopathy 1; MYH7-Related Familial Hypertrophic Cardiomyopathy. Identifiers: MedGen C3495498, MONDO:0008647, OMIM 192600.

Submissions (3):

Labcorp Genetics (formerly Invitae), Labcorp
Classification: Uncertain significance for Hypertrophic cardiomyopathy. Last evaluated: 2025-02-05. Review status: criteria provided, single submitter. Criteria: Invitae Variant Classification Sherloc (09022015). Collection method: clinical testing. Allele origin: germline.
Comment: This sequence change replaces glutamine, which is neutral and polar, with histidine, which is basic and polar, at codon 1872 of the MYH7 protein (p.Gln1872His). This variant is not present in population databases (gnomAD no frequency). This variant has not been reported in the literature in individuals affected with MYH7-related conditions. ClinVar contains an entry for this variant (Variation ID: 684825). Invitae Evidence Modeling of protein sequence and biophysical properties (such as structural, functional, and spatial information, amino acid conservation, physicochemical variation, residue mobility, and thermodynamic stability) indicates that this missense variant is expected to disrupt MYH7 protein function with a positive predictive value of 95%. In summary, the available evidence is currently insufficient to determine the role of this variant in disease. Therefore, it has been classified as a Variant of Uncertain Significance.

Victorian Clinical Genetics Services, Murdoch Childrens Research Institute
Classification: Uncertain significance for Hypertrophic cardiomyopathy 1. Last evaluated: 2021-05-06. Review status: criteria provided, single submitter. Criteria: ACMG Guidelines, 2015. Collection method: clinical testing. Allele origin: germline. Inheritance: Autosomal dominant inheritance.
Comment: Based on the classification scheme VCGS_Germline_v1.3.4, this variant is classified as VUS-3A. Following criteria are met: 0105 - The mechanism of disease for this gene is not clearly established. However, missense variants have been proposed to act in a dominant negative manner (PMID: 24714796). (I) 0108 - This gene is associated with both recessive and dominant disease. Pathogenic variants in this gene are usually heterozygous, however a recessive inheritance pattern has been observed in severe cases (OMIM). (I) 0112 - The condition associated with this gene has incomplete penetrance (PMID: 29300372). (I) 0200 - Variant is predicted to result in a missense amino acid change from glutamine to histidine. (I) 0251 - This variant is heterozygous. (I) 0301 - Variant is absent from gnomAD (both v2 and v3). (SP) 0502 - Missense variant with conflicting in silico predictions and uninformative conservation. (I) 0600 - Variant is located in the annotated myosin tail domain (DECIPHER). (I) 0705 - No comparable missense variants have previous evidence for pathogenicity. (I) 0809 - Previous evidence of pathogenicity for this variant is inconclusive. This variant has been previously reported as a VUS in ClinVar. (I) 0905 - No published segregation evidence has been identified for this variant. (I) 1007 - No published functional evidence has been identified for this variant. (I) 1208 - Inheritance information for this variant is not currently available in this individual. (I) Legend: (SP) - Supporting pathogenic, (I) - Information, (SB) - Supporting benign

Molecular Diagnostic Laboratory for Inherited Cardiovascular Disease, Montreal Heart Institute
Classification: Uncertain significance. Review status: criteria provided, single submitter. Criteria: ACMG Guidelines, 2015. Collection method: clinical testing. Allele origin: germline. Affected: yes.

Literature cited by the submitters: PubMed 24714796 (cited by Victorian Clinical Genetics Services, Murdoch Childrens Research Institute); PubMed 29300372 (cited by Victorian Clinical Genetics Services, Murdoch Childrens Research Institute).

NM_000257.4(MYH7):c.5616G>T (p.Gln1872His)

Gene: MYH7 (myosin heavy chain 7; minus strand). Cytogenetic location: 14q11.2.
Variant type: single nucleotide variant.
Coding change: c.5616G>T on transcript NM_000257.4 (MANE Select); coding-DNA position 5616, G replaced by T.
Protein change: p.Gln1872His; replaces glutamine 1872 with histidine.
Molecular consequence: missense variant.
Genome position (GRCh38, 1-based): chr14:23,414,046, C>A on the plus strand (G>T on the coding strand, the complement: MYH7 is on the minus strand). VCF-style: chr14-23414046-C-A. GRCh37 (hg19) VCF-style: chr14-23883255-C-A.
Other names: c.5616G>T (NM_000257.2); short protein forms Q1872H.
Identifiers: ClinVar variation 684825 (VCV000684825.12), dbSNP rs1356446816, ClinGen allele CA389034858.